The following is an entry in ClinVar:

NM_001211.6(BUB1B):c.3055A>G (p.Met1019Val)

Genes: BUB1B (BUB1 mitotic checkpoint serine/threonine kinase B; plus strand), BUB1B-PAK6 (BUB1B-PAK6 readthrough; plus strand). Cytogenetic location: 15q15.1.
Variant type: single nucleotide variant.
Coding change: c.3055A>G on transcript NM_001211.6 (MANE Select); coding-DNA position 3055, A replaced by G.
Protein change: p.Met1019Val; replaces methionine 1019 with valine.
Molecular consequence: missense variant. On other transcripts: intron variant (2).
Genome position (GRCh38, 1-based): chr15:40,220,661, A>G. VCF-style: chr15-40220661-A-G. GRCh37 (hg19) VCF-style: chr15-40512862-A-G.
Other names: c.-201+2994A>G (NM_001128628.3); c.-118+2994A>G (NM_001128629.3); short protein forms M1019V.
Identifiers: ClinVar variation 580696 (VCV000580696.10), dbSNP rs1566831785, ClinGen allele CA391690002.

ClinVar aggregate classification (germline): Uncertain significance (1 of 4 stars; one submission).

Conditions:
Mosaic variegated aneuploidy syndrome 1 (MVA1). Also called: Warburton-Anyane-Yeboa syndrome. Identifiers: Orphanet 1052, MedGen C1850343, MONDO:0009759, OMIM 257300.

Allele frequency attached by ClinVar (database versions not stated): TOPMed below 0.00001.

Submission:

Labcorp Genetics (formerly Invitae), Labcorp
Classification: Uncertain significance for Mosaic variegated aneuploidy syndrome 1. Last evaluated: 2022-07-19. Review status: criteria provided, single submitter. Criteria: Invitae Variant Classification Sherloc (09022015). Collection method: clinical testing. Allele origin: germline.
Comment: In summary, the available evidence is currently insufficient to determine the role of this variant in disease. Therefore, it has been classified as a Variant of Uncertain Significance. Algorithms developed to predict the effect of missense changes on protein structure and function (SIFT, PolyPhen-2, Align-GVGD) all suggest that this variant is likely to be tolerated. ClinVar contains an entry for this variant (Variation ID: 580696). This variant has not been reported in the literature in individuals affected with BUB1B-related conditions. This variant is not present in population databases (gnomAD no frequency). This sequence change replaces methionine, which is neutral and non-polar, with valine, which is neutral and non-polar, at codon 1019 of the BUB1B protein (p.Met1019Val).